The following is an entry in ClinVar:

NM_015662.3(IFT172):c.1411+2T>C

Gene: IFT172 (intraflagellar transport 172; minus strand). Cytogenetic location: 2p23.3.
Variant type: single nucleotide variant.
Coding change: c.1411+2T>C on transcript NM_015662.3 (MANE Select); the canonical splice donor site of the intron after coding-DNA position 1411, T replaced by C.
Molecular consequence: splice donor variant.
Genome position (GRCh38, 1-based): chr2:27,476,639, A>G on the plus strand (T>C on the coding strand, the complement: IFT172 is on the minus strand). VCF-style: chr2-27476639-A-G. GRCh37 (hg19) VCF-style: chr2-27699506-A-G.
Other names: c.1411+2T>C (NM_001410739.1, NM_015662.2).
Identifiers: ClinVar variation 2927923 (VCV002927923.5), dbSNP rs2465979379, ClinGen allele CA346392657.

ClinVar aggregate classification (germline): Likely pathogenic. Review status: criteria provided, multiple submitters, no conflicts (2 of 4 stars). 3 submissions from 3 submitters: Likely pathogenic (3). Last evaluated 2026-07-22.

Conditions:
Bardet-Biedl syndrome 20. Identifiers: MedGen C4310707, MONDO:0023670, OMIM 619471, MONDO:0014926.
Short-rib thoracic dysplasia 10 with or without polydactyly (SRTD10). Identifiers: Orphanet 474, MedGen C3810175, MONDO:0014284, OMIM 615630.
Retinitis pigmentosa 71 (RP71). Identifiers: Orphanet 791, MedGen C4225342, MONDO:0014618, OMIM 616394.
IFT172-related disorder. Also called: IFT172-related condition; IFT172-related disorders.

Submissions (3):

PreventionGenetics, part of Exact Sciences
Classification: Likely pathogenic for IFT172-related condition. Last evaluated: 2026-07-22. Review status: criteria provided, single submitter. Criteria: ACMG Guidelines, 2015. Collection method: clinical testing. Allele origin: germline.
Comment: The IFT172 c.1411+2T>C variant is predicted to disrupt the GT donor site and interfere with normal splicing. This variant has not been reported in a large population database (gnomAD), indicating this variant is rare. Variants that disrupt the consensus splice donor site in IFT172 are expected to be pathogenic. This variant is interpreted as likely pathogenic.

Fulgent Genetics
Classification: Likely pathogenic for Short-rib thoracic dysplasia 10 with or without polydactyly; Retinitis pigmentosa 71; Bardet-Biedl syndrome 20. Last evaluated: 2024-05-20. Review status: criteria provided, single submitter. Criteria: ACMG Guidelines, 2015. Collection method: clinical testing. Allele origin: germline.

Labcorp Genetics (formerly Invitae), Labcorp
Classification: Likely pathogenic for Retinitis pigmentosa 71; Short-rib thoracic dysplasia 10 with or without polydactyly. Last evaluated: 2023-10-06. Review status: criteria provided, single submitter. Criteria: Invitae Variant Classification Sherloc (09022015). Collection method: clinical testing. Allele origin: germline.
Comment: This sequence change affects a donor splice site in intron 14 of the IFT172 gene. It is expected to disrupt RNA splicing. Variants that disrupt the donor or acceptor splice site typically lead to a loss of protein function (PMID: 16199547), and loss-of-function variants in IFT172 are known to be pathogenic (PMID: 24140113). This variant is not present in population databases (gnomAD no frequency). This variant has not been reported in the literature in individuals affected with IFT172-related conditions. Algorithms developed to predict the effect of sequence changes on RNA splicing suggest that this variant may disrupt the consensus splice site. In summary, the currently available evidence indicates that the variant is pathogenic, but additional data are needed to prove that conclusively. Therefore, this variant has been classified as Likely Pathogenic.

Literature cited by the submitters: PubMed 16199547 (cited by Labcorp Genetics (formerly Invitae), Labcorp); PubMed 24140113 (cited by Labcorp Genetics (formerly Invitae), Labcorp).